The following is an entry in ClinVar:

ClinVar aggregate classification (germline): Uncertain significance (1 of 4 stars; one submission).

Conditions:
Kabuki syndrome 2 (KABUK2). Also called: KDM6A-Related Kabuki Syndrome. Identifiers: Orphanet 2322, MedGen C3275495, MONDO:0010465, OMIM 300867.

Submission:

Labcorp Genetics (formerly Invitae), Labcorp
Classification: Uncertain significance for Kabuki syndrome 2. Last evaluated: 2025-12-29. Review status: criteria provided, single submitter. Criteria: Invitae Variant Classification Sherloc (09022015). Collection method: clinical testing. Allele origin: germline.
Comment: This sequence change replaces asparagine, which is neutral and polar, with arginine, which is basic and polar, at codon 994 of the KDM6A protein (p.Asn994Arg). The frequency data for this variant in the population databases is considered unreliable, as metrics indicate poor data quality at this position in the gnomAD database. This variant has not been reported in the literature in individuals affected with KDM6A-related conditions. ClinVar contains an entry for this variant (Variation ID: 2200176). An algorithm developed to predict the effect of missense changes on protein structure and function (PolyPhen-2) suggests that this variant is likely to be tolerated. In summary, the available evidence is currently insufficient to determine the role of this variant in disease. Therefore, it has been classified as a Variant of Uncertain Significance.

NM_001291415.2(KDM6A):c.3136_3137delinsCG (p.Asn1046Arg)

Gene: KDM6A (lysine demethylase 6A; plus strand). Cytogenetic location: Xp11.3.
Variant type: Indel.
Coding change: c.3136_3137delinsCG on transcript NM_001291415.2 (MANE Select); coding-DNA positions 3136 to 3137, AA replaced by CG.
Protein change: p.Asn1046Arg; replaces asparagine 1046 with arginine.
Molecular consequence: missense variant. On other transcripts: non-coding transcript variant (1).
Genome position (GRCh38, 1-based): chrX:45,079,187-45,079,188, AA replaced by CG. VCF-style: chrX-45079187-AA-CG. GRCh37 (hg19) VCF-style: chrX-44938432-AA-CG.
Other names: c.3001_3002delinsCG, p.Asn1001Arg (NM_001291416.2); c.2845_2846delinsCG, p.Asn949Arg (NM_001291417.2); c.2743_2744delinsCG, p.Asn915Arg (NM_001291418.2); c.2092_2093delinsCG, p.Asn698Arg (NM_001291421.2); c.2878_2879delAAinsCG, p.Asn960Arg (NM_001410742.1); c.2980_2981delinsCG, p.Asn994Arg (NM_021140.4); short protein forms N1001R, N698R, N949R, N1046R, N960R, N994R, N915R.
Identifiers: ClinVar variation 2200176 (VCV002200176.4), dbSNP rs2523159434, ClinGen allele CA2580100976.